The following is an entry in ClinVar:

NM_006904.7(PRKDC):c.3613A>G (p.Asn1205Asp)

Gene: PRKDC (protein kinase, DNA-activated, catalytic subunit; minus strand). Cytogenetic location: 8q11.21.
Variant type: single nucleotide variant.
Coding change: c.3613A>G on transcript NM_006904.7 (MANE Select); coding-DNA position 3613, A replaced by G.
Protein change: p.Asn1205Asp; replaces asparagine 1205 with aspartic acid.
Molecular consequence: missense variant.
Genome position (GRCh38, 1-based): chr8:47,893,373, T>C on the plus strand (A>G on the coding strand, the complement: PRKDC is on the minus strand). VCF-style: chr8-47893373-T-C. GRCh37 (hg19) VCF-style: chr8-48805933-T-C.
Other names: c.3613A>G, p.Asn1205Asp (NM_001081640.2); short protein forms N1205D.
Identifiers: ClinVar variation 3225840 (VCV003225840.1), dbSNP rs2551874366, ClinGen allele CA371151300.

ClinVar aggregate classification (germline): Uncertain significance (1 of 4 stars; one submission).

Submission:

Ambry Genetics
Classification: Uncertain significance. Last evaluated: 2023-12-16. Review status: criteria provided, single submitter. Criteria: Ambry Variant Classification Scheme 2023. Collection method: clinical testing. Allele origin: germline.
Comment: The p.N1205D variant (also known as c.3613A>G), located in coding exon 31 of the PRKDC gene, results from an A to G substitution at nucleotide position 3613. The asparagine at codon 1205 is replaced by aspartic acid, an amino acid with highly similar properties. This amino acid position is conserved. In addition, this alteration is predicted to be tolerated by in silico analysis. Since supporting evidence is limited at this time, the clinical significance of this alteration remains unclear.